The following is an entry in ClinVar:

NM_014727.3(KMT2B):c.4918-1G>A

Gene: KMT2B (lysine methyltransferase 2B; plus strand). Cytogenetic location: 19q13.12.
Variant type: single nucleotide variant.
Coding change: c.4918-1G>A on transcript NM_014727.3 (MANE Select); the canonical splice acceptor site of the intron before coding-DNA position 4918, G replaced by A.
Molecular consequence: splice acceptor variant.
Genome position (GRCh38, 1-based): chr19:35,729,966, G>A. VCF-style: chr19-35729966-G-A. GRCh37 (hg19) VCF-style: chr19-36220867-G-A.
Identifiers: ClinVar variation 2718298 (VCV002718298.3), dbSNP rs2513344634, ClinGen allele CA405418620.

ClinVar aggregate classification (germline): Likely pathogenic (1 of 4 stars; one submission).

Submission:

Labcorp Genetics (formerly Invitae), Labcorp
Classification: Likely pathogenic. Last evaluated: 2023-06-17. Review status: criteria provided, single submitter. Criteria: Invitae Variant Classification Sherloc (09022015). Collection method: clinical testing. Allele origin: germline.
Comment: In summary, the currently available evidence indicates that the variant is pathogenic, but additional data are needed to prove that conclusively. Therefore, this variant has been classified as Likely Pathogenic. Algorithms developed to predict the effect of sequence changes on RNA splicing suggest that this variant may disrupt the consensus splice site. This variant has not been reported in the literature in individuals affected with KMT2B-related conditions. This variant is not present in population databases (gnomAD no frequency). This sequence change affects an acceptor splice site in intron 22 of the KMT2B gene. It is expected to disrupt RNA splicing. Variants that disrupt the donor or acceptor splice site typically lead to a loss of protein function (PMID: 16199547), and loss-of-function variants in KMT2B are known to be pathogenic (PMID: 27839873, 27992417).

Literature cited by the submitters: PubMed 16199547; PubMed 27839873; PubMed 27992417.